The following is an entry in ClinVar:

NM_000277.3(PAH):c.968C>T (p.Thr323Ile)

Gene: PAH (phenylalanine hydroxylase; minus strand). Cytogenetic location: 12q23.2.
Variant type: single nucleotide variant.
Coding change: c.968C>T on transcript NM_000277.3 (MANE Select); coding-DNA position 968, C replaced by T.
Protein change: p.Thr323Ile; replaces threonine 323 with isoleucine.
Molecular consequence: missense variant.
Genome position (GRCh38, 1-based): chr12:102,846,896, G>A on the plus strand (C>T on the coding strand, the complement: PAH is on the minus strand). VCF-style: chr12-102846896-G-A. GRCh37 (hg19) VCF-style: chr12-103240674-G-A.
Other names: c.968C>T, p.Thr323Ile (NM_001354304.2); short protein forms T323I.
Identifiers: ClinVar variation 932258 (VCV000932258.1), dbSNP rs1874870478, ClinGen allele CA16020906.

ClinVar aggregate classification (germline): Uncertain significance (3 of 4 stars; one submission).

Conditions:
Phenylketonuria (PKU). Also called: OLIGOPHRENIA PHENYLPYRUVICA; Phenylketonurias; Phenylketonuria (PKU); FOLLING DISEASE. Identifiers: Orphanet 716, MedGen C0031485, MONDO:0009861, OMIM 261600. Disease mechanism: loss of function.

Submission:

ClinGen PAH Variant Curation Expert Panel
Classification: Uncertain significance for Phenylketonuria. Last evaluated: 2020-06-25. Review status: reviewed by expert panel. Criteria: ClinGen PAH ACMG Specifications v1. Collection method: curation. Allele origin: germline. Inheritance: Autosomal recessive inheritance.
Comment: The c.968C>T (p.Thr323Ile) variant in PAH meets criteria to be classified as uncertain significance due to insufficient evidence. PAH-specific ACMG/AMP criteria applied: PM2: Absent from population databases (1000 Genomes, ExAC). PP3: Computational prediction tools suggest that the c.968C>T variant is damaging to protein function. Evolutionarily conserved. PP4: Patient has classic PKU (PMID:24350308). PM3_Supporting: Found to co-occur with p.R408W in one patient with classic PKU, but no additional studies to demonstrate phase of variants. No other PAH variants identified in patient (PMID:24350308). Undefined BH4 responsiveness (PMID:24350308).

Literature cited by the submitters: PubMed 24350308.